The following is an entry in ClinVar:

NM_000170.3(GLDC):c.1433A>C (p.Glu478Ala)

Gene: GLDC (glycine decarboxylase; minus strand). Cytogenetic location: 9p24.1.
Variant type: single nucleotide variant.
Coding change: c.1433A>C on transcript NM_000170.3 (MANE Select); coding-DNA position 1433, A replaced by C.
Protein change: p.Glu478Ala; replaces glutamic acid 478 with alanine.
Molecular consequence: missense variant.
Genome position (GRCh38, 1-based): chr9:6,592,192, T>G on the plus strand (A>C on the coding strand, the complement: GLDC is on the minus strand). VCF-style: chr9-6592192-T-G. GRCh37 (hg19) VCF-style: chr9-6592192-T-G.
Other names: short protein forms E478A.
Identifiers: ClinVar variation 568143 (VCV000568143.8), dbSNP rs751588571, ClinGen allele CA4980710.

ClinVar aggregate classification (germline): Uncertain significance. Review status: criteria provided, multiple submitters, no conflicts (2 of 4 stars). 3 submissions from 3 submitters: Uncertain significance (2). 1 of the submissions does not count toward it. Last evaluated 2024-04-03.

Conditions:
Glycine encephalopathy. Also called: Non-ketotic hyperglycinemia; Nonketotic hyperglycinemia. Identifiers: Orphanet 407, MedGen C0751748, MONDO:0011612, HP:0008288.

Allele frequency attached by ClinVar (database versions not stated): ExAC 0.00002; gnomAD 0.00002; TOPMed 0.00003.
gnomAD v4.1: 32 of 1,607,516 alleles (0.002%); highest among the groups gnomAD compares: Middle Eastern, 0.23%; no homozygotes.

Submissions (3):

Blueprint Genetics
Classification: Uncertain significance. Last evaluated: 2024-04-03. Review status: criteria provided, single submitter. Criteria: ACMG Guidelines, 2015. Collection method: clinical testing. Allele origin: germline.

Labcorp Genetics (formerly Invitae), Labcorp
Classification: Uncertain significance for Glycine encephalopathy. Last evaluated: 2022-08-16. Review status: criteria provided, single submitter. Criteria: Invitae Variant Classification Sherloc (09022015). Collection method: clinical testing. Allele origin: germline.
Comment: This sequence change replaces glutamic acid, which is acidic and polar, with alanine, which is neutral and non-polar, at codon 478 of the GLDC protein (p.Glu478Ala). This variant is present in population databases (rs751588571, gnomAD 0.004%). This variant has not been reported in the literature in individuals affected with GLDC-related conditions. ClinVar contains an entry for this variant (Variation ID: 568143). Advanced modeling of protein sequence and biophysical properties (such as structural, functional, and spatial information, amino acid conservation, physicochemical variation, residue mobility, and thermodynamic stability) performed at Invitae indicates that this missense variant is not expected to disrupt GLDC protein function. In summary, the available evidence is currently insufficient to determine the role of this variant in disease. Therefore, it has been classified as a Variant of Uncertain Significance.

Natera, Inc.
Classification: Uncertain significance for Non-ketotic hyperglycinemia. Last evaluated: 2019-10-28. Review status: no assertion criteria provided. Collection method: clinical testing. Allele origin: germline. Not counted in ClinVar's aggregate classification.